The following is an entry in ClinVar:

ClinVar aggregate classification (germline): Uncertain significance. Review status: criteria provided, multiple submitters, no conflicts (2 of 4 stars). 2 submissions from 2 submitters: Uncertain significance (2). Last evaluated 2026-06-30.

Allele frequency attached by ClinVar (database versions not stated): gnomAD exomes 0.00001.
gnomAD v4.1: 5 of 1,211,451 alleles (0.00041%); highest among the groups gnomAD compares: Non-Finnish European, 0.00056%; no homozygotes.

Submissions (2):

GeneDx
Classification: Uncertain significance. Last evaluated: 2026-06-30. Review status: criteria provided, single submitter. Criteria: GeneDx Variant Classification Process June 2021. Collection method: clinical testing. Allele origin: germline.
Comment: Not observed at significant frequency in large population cohorts (gnomAD); In silico analysis supports that this missense variant has a deleterious effect on protein structure/function; In silico analysis supports a deleterious effect on splicing; Has not been previously published as pathogenic or benign to our knowledge

Labcorp Genetics (formerly Invitae), Labcorp
Classification: Uncertain significance. Last evaluated: 2024-12-03. Review status: criteria provided, single submitter. Criteria: Invitae Variant Classification Sherloc (09022015). Collection method: clinical testing. Allele origin: germline.
Comment: This sequence change replaces aspartic acid, which is acidic and polar, with glycine, which is neutral and non-polar, at codon 2621 of the HUWE1 protein (p.Asp2621Gly). This variant is not present in population databases (gnomAD no frequency). This variant has not been reported in the literature in individuals affected with HUWE1-related conditions. ClinVar contains an entry for this variant (Variation ID: 2573846). Invitae Evidence Modeling of protein sequence and biophysical properties (such as structural, functional, and spatial information, amino acid conservation, physicochemical variation, residue mobility, and thermodynamic stability) has been performed for this missense variant. However, the output from this modeling did not meet the statistical confidence thresholds required to predict the impact of this variant on HUWE1 protein function. Algorithms developed to predict the effect of sequence changes on RNA splicing suggest that this variant may create or strengthen a splice site. In summary, the available evidence is currently insufficient to determine the role of this variant in disease. Therefore, it has been classified as a Variant of Uncertain Significance.

NM_031407.7(HUWE1):c.7862A>G (p.Asp2621Gly)

Gene: HUWE1 (HECT, UBA and WWE domain containing E3 ubiquitin protein ligase 1; minus strand). Cytogenetic location: Xp11.22.
Variant type: single nucleotide variant.
Coding change: c.7862A>G on transcript NM_031407.7 (MANE Select); coding-DNA position 7862, A replaced by G.
Protein change: p.Asp2621Gly; replaces aspartic acid 2621 with glycine.
Molecular consequence: missense variant.
Genome position (GRCh38, 1-based): chrX:53,559,407, T>C on the plus strand (A>G on the coding strand, the complement: HUWE1 is on the minus strand). VCF-style: chrX-53559407-T-C. GRCh37 (hg19) VCF-style: chrX-53586368-T-C.
Other names: short protein forms D2621G.
Identifiers: ClinVar variation 2573846 (VCV002573846.4), dbSNP rs2523868039, ClinGen allele CA413153399.